The following is an entry in ClinVar:

NM_002769.5(PRSS1):c.347G>A (p.Arg116His)

Genes: PRSS1 (serine protease 1; plus strand), TRB (T cell receptor beta locus; plus strand). Cytogenetic location: 7q34.
Variant type: single nucleotide variant.
Coding change: c.347G>A on transcript NM_002769.5 (MANE Select); coding-DNA position 347, G replaced by A.
Protein change: p.Arg116His; replaces arginine 116 with histidine.
Molecular consequence: missense variant.
Genome position (GRCh38, 1-based): chr7:142,751,920, G>A. VCF-style: chr7-142751920-G-A. GRCh37 (hg19) VCF-style: chr7-142459771-G-A.
Other names: short protein forms R116H.
Identifiers: ClinVar variation 663685 (VCV000663685.15), dbSNP rs199769221, ClinGen allele CA4529928.

ClinVar aggregate classification (germline): Uncertain significance. Review status: criteria provided, multiple submitters, no conflicts (2 of 4 stars). 4 submissions from 4 submitters: Uncertain significance (4). Last evaluated 2025-11-07.

Conditions:
Hereditary pancreatitis (PCTT). Also called: Hereditary chronic pancreatitis; PRSS1-Related Hereditary Pancreatitis. Identifiers: Orphanet 676, MedGen C0238339, MONDO:0008185, OMIM 167800.

Allele frequency attached by ClinVar (database versions not stated): TOPMed 0.00002; gnomAD 0.00005; 1000 Genomes Project 30x 0.00031; 1000 Genomes Project 0.00040.

Submissions (4):

Ambry Genetics
Classification: Uncertain significance for Hereditary pancreatitis. Last evaluated: 2025-11-07. Review status: criteria provided, single submitter. Criteria: Ambry Variant Classification Scheme 2023. Collection method: clinical testing. Allele origin: germline.
Comment: The p.R116H variant (also known as c.347G>A), located in coding exon 3 of the PRSS1 gene, results from a G to A substitution at nucleotide position 347. The arginine at codon 116 is replaced by histidine, an amino acid with highly similar properties. This amino acid position is poorly conserved in available vertebrate species. In addition, the in silico prediction for this alteration is inconclusive. Since supporting evidence is limited at this time, the clinical significance of this alteration remains unclear.

Labcorp Genetics (formerly Invitae), Labcorp
Classification: Uncertain significance for Hereditary pancreatitis. Last evaluated: 2025-07-09. Review status: criteria provided, single submitter. Criteria: Invitae Variant Classification Sherloc (09022015). Collection method: clinical testing. Allele origin: germline.
Comment: This sequence change replaces arginine, which is basic and polar, with histidine, which is basic and polar, at codon 116 of the PRSS1 protein (p.Arg116His). The frequency data for this variant in the population databases is considered unreliable, as metrics indicate poor data quality at this position in the gnomAD database. This variant has not been reported in the literature in individuals affected with PRSS1-related conditions. ClinVar contains an entry for this variant (Variation ID: 663685). Invitae Evidence Modeling of protein sequence and biophysical properties (such as structural, functional, and spatial information, amino acid conservation, physicochemical variation, residue mobility, and thermodynamic stability) indicates that this missense variant is not expected to disrupt PRSS1 protein function with a negative predictive value of 80%. This variant disrupts the p.Arg116 amino acid residue in PRSS1. Other variant(s) that disrupt this residue have been determined to be pathogenic (PMID: 11708864, 11842279, 15786540, 19191323, 19433603, 20502448, 24909264, 30420730). This suggests that this residue is clinically significant, and that variants that disrupt this residue are likely to be disease-causing. In summary, the available evidence is currently insufficient to determine the role of this variant in disease. Therefore, it has been classified as a Variant of Uncertain Significance.

Women's Health and Genetics/Laboratory Corporation of America, LabCorp
Classification: Uncertain significance. Last evaluated: 2024-12-16. Review status: criteria provided, single submitter. Criteria: LabCorp Variant Classification Summary - May 2015. Collection method: clinical testing. Allele origin: germline.
Comment: Variant summary: PRSS1 c.347G>A (p.Arg116His) results in a non-conservative amino acid change in the encoded protein sequence. Three of five in-silico tools predict a benign effect of the variant on protein function. The variant allele was found at a frequency of 8e-05 in 249414 control chromosomes, predominantly at a frequency of 0.00044 within the East Asian subpopulation in the gnomAD database. The available data on variant occurrences in the general population are insufficient to allow any conclusion about variant significance. To our knowledge, no occurrence of c.347G>A in individuals affected with Chronic Pancreatitis Risk and no experimental evidence demonstrating its impact on protein function have been reported. However, another missense variant affecting the same amino acid residue (c.346C>T (p.Arg116Cys)) has been classified as pathogenic by our laboratory. ClinVar contains an entry for this variant (Variation ID: 663685). Based on the evidence outlined above, the variant was classified as uncertain significance.

Fulgent Genetics
Classification: Uncertain significance for Hereditary pancreatitis. Last evaluated: 2022-05-24. Review status: criteria provided, single submitter. Criteria: ACMG Guidelines, 2015. Collection method: clinical testing. Allele origin: unknown.

Literature cited by the submitters: PubMed 11708864 (cited by Labcorp Genetics (formerly Invitae), Labcorp); PubMed 11842279 (cited by Labcorp Genetics (formerly Invitae), Labcorp); PubMed 15786540 (cited by Labcorp Genetics (formerly Invitae), Labcorp); PubMed 19191323 (cited by Labcorp Genetics (formerly Invitae), Labcorp); PubMed 19433603 (cited by Labcorp Genetics (formerly Invitae), Labcorp); PubMed 20502448 (cited by Labcorp Genetics (formerly Invitae), Labcorp); PubMed 24909264 (cited by Labcorp Genetics (formerly Invitae), Labcorp); PubMed 30420730 (cited by Labcorp Genetics (formerly Invitae), Labcorp).